The following is an entry in ClinVar:

NM_001077415.3(CRELD1):c.733+9G>A

Gene: CRELD1 (CRELD disulfide isomerase 1; plus strand). Cytogenetic location: 3p25.3.
Variant type: single nucleotide variant.
Coding change: c.733+9G>A on transcript NM_001077415.3 (MANE Select); 9 bases into the intron after coding-DNA position 733, G replaced by A.
Molecular consequence: intron variant.
Genome position (GRCh38, 1-based): chr3:9,941,215, G>A. VCF-style: chr3-9941215-G-A. GRCh37 (hg19) VCF-style: chr3-9982899-G-A.
Other names: c.733+9G>A (NM_015513.4, NM_001374317.1, NM_001031717.4 and 5 more transcripts).
Identifiers: ClinVar variation 1913184 (VCV001913184.8), dbSNP rs374989836, ClinGen allele CA2247775.

ClinVar aggregate classification (germline): Likely benign. Review status: criteria provided, multiple submitters, no conflicts (2 of 4 stars). 3 submissions from 3 submitters: Likely benign (2). 1 of the submissions does not count toward it. Last evaluated 2025-12-16.

Conditions:
Atrioventricular septal defect, susceptibility to, 2. Identifiers: MedGen C1853508, MONDO:0011650, OMIM 606217.
CRELD1-related disorder. Also called: CRELD1-related condition.

Allele frequency attached by ClinVar (database versions not stated): ESP Exome Variant Server 0.00008; ExAC 0.00016; gnomAD 0.00024; TOPMed 0.00025; gnomAD exomes 0.00044.

Submissions (3):

Labcorp Genetics (formerly Invitae), Labcorp
Classification: Likely benign for Atrioventricular septal defect, susceptibility to, 2. Last evaluated: 2025-12-16. Review status: criteria provided, single submitter. Criteria: Invitae Variant Classification Sherloc (09022015). Collection method: clinical testing. Allele origin: germline.

Blueprint Genetics
Classification: Likely benign. Last evaluated: 2024-07-30. Review status: criteria provided, single submitter. Criteria: ACMG Guidelines, 2015. Collection method: clinical testing. Allele origin: germline.

PreventionGenetics, part of Exact Sciences
Classification: Likely benign for CRELD1-related condition. Last evaluated: 2022-04-25. Review status: no assertion criteria provided. Collection method: clinical testing. Allele origin: germline. Not counted in ClinVar's aggregate classification.
Comment: This variant is classified as likely benign based on ACMG/AMP sequence variant interpretation guidelines (Richards et al. 2015 PMID: 25741868, with internal and published modifications).